The following is an entry in ClinVar:

ClinVar aggregate classification (germline): Conflicting classifications of pathogenicity. Review status: criteria provided, conflicting classifications (1 of 4 stars). 3 submissions from 3 submitters: Uncertain significance (2); Likely benign (1). Last evaluated 2025-10-07.

Conditions:
Hereditary cancer-predisposing syndrome. Also called: Neoplastic Syndromes, Hereditary; Hereditary Cancer Syndrome; Tumor predisposition; Hereditary neoplastic syndrome. Identifiers: Orphanet 140162, MedGen C0027672, MeSH D009386, MONDO:0015356.
Hereditary breast ovarian cancer syndrome. Also called: Hereditary breast and ovarian cancer syndrome; Hereditary breast and/or ovarian cancer syndrome; Hereditary breast and ovarian cancer syndrome (HBOC); Breast and ovarian cancer; BRCA1- and BRCA2-Associated Hereditary Breast and Ovarian Cancer; Hereditary breast and ovarian cancer. Identifiers: Orphanet 145, MedGen C0677776, MeSH D061325, MONDO:0003582. Disease mechanism: loss of function.

Allele frequency attached by ClinVar (database versions not stated): gnomAD exomes below 0.00001.
gnomAD v4.1: 1 of 1,614,048 alleles (0.000062%); highest among the groups gnomAD compares: Non-Finnish European, 0.000085%; no homozygotes.

Submissions (3):

Color Diagnostics, LLC DBA Color Health
Classification: Uncertain significance for Hereditary cancer-predisposing syndrome. Last evaluated: 2025-10-07. Review status: criteria provided, single submitter. Criteria: ACMG Guidelines, 2015. Collection method: clinical testing. Allele origin: germline.
Comment: This missense variant replaces serine with proline at codon 1971 of the BRCA2 protein. Computational prediction suggests that this variant may not impact protein structure and function. To our knowledge, clinically calibrated functional studies have not been reported for this variant. This variant has not been reported in individuals affected with BRCA2-related disorders in the literature. This variant has been identified in 1/1461722 chromosomes in the general population by the Genome Aggregation Database (gnomAD). The available evidence is insufficient to determine the role of this variant in disease conclusively. Therefore, this variant is classified as a Variant of Uncertain Significance.

University of Washington Department of Laboratory Medicine, University of Washington
Classification: Likely benign for Hereditary cancer-predisposing syndrome. Last evaluated: 2023-03-23. Review status: criteria provided, single submitter. Criteria: Dines et al. (Genet Med. 2020). Collection method: curation. Allele origin: germline.
Comment: Missense variant in a coldspot region where missense variants are very unlikely to be pathogenic (PMID:31911673).

BRCA2 exon 11 coldspot. Reclassification based on statistical prior probability.

Labcorp Genetics (formerly Invitae), Labcorp
Classification: Uncertain significance for Hereditary breast ovarian cancer syndrome. Last evaluated: 2018-04-08. Review status: criteria provided, single submitter. Criteria: Invitae Variant Classification Sherloc (09022015). Collection method: clinical testing. Allele origin: germline.
Comment: In summary, the available evidence is currently insufficient to determine the role of this variant in disease. Therefore, it has been classified as a Variant of Uncertain Significance. Algorithms developed to predict the effect of missense changes on protein structure and function output the following: SIFT: "Tolerated"; PolyPhen-2: "Benign"; Align-GVGD: "Class C0". The proline amino acid residue is found in multiple mammalian species, suggesting that this missense change does not adversely affect protein function. These predictions have not been confirmed by published functional studies and their clinical significance is uncertain. This variant has not been reported in the literature in individuals with BRCA2-related disease. This variant is not present in population databases (ExAC no frequency). This sequence change replaces serine with proline at codon 1971 of the BRCA2 protein (p.Ser1971Pro). The serine residue is weakly conserved and there is a moderate physicochemical difference between serine and proline.

NM_000059.4(BRCA2):c.5911T>C (p.Ser1971Pro)

Gene: BRCA2 (BRCA2 DNA repair associated; plus strand). Cytogenetic location: 13q13.1.
Variant type: single nucleotide variant.
Coding change: c.5911T>C on transcript NM_000059.4 (MANE Select); coding-DNA position 5911, T replaced by C.
Protein change: p.Ser1971Pro; replaces serine 1971 with proline.
Molecular consequence: missense variant.
Genome position (GRCh38, 1-based): chr13:32,340,266, T>C. VCF-style: chr13-32340266-T-C. GRCh37 (hg19) VCF-style: chr13-32914403-T-C.
Other names: short protein forms S1971P.
Identifiers: ClinVar variation 583380 (VCV000583380.10), dbSNP rs1566233504, ClinGen allele CA387787513.